The following is an entry in ClinVar:

ClinVar aggregate classification (germline): Uncertain significance (1 of 4 stars; one submission).

Conditions:
Autoimmune lymphoproliferative syndrome, type III caused by mutation in PRKCD. Identifiers: Orphanet 3261, Orphanet 664711, MedGen C3809928, MONDO:8000024, OMIM 615559.

Submission:

Labcorp Genetics (formerly Invitae), Labcorp
Classification: Uncertain significance for Autoimmune lymphoproliferative syndrome, type III caused by mutation in PRKCD. Last evaluated: 2023-08-17. Review status: criteria provided, single submitter. Criteria: Invitae Variant Classification Sherloc (09022015). Collection method: clinical testing. Allele origin: germline.
Comment: This sequence change replaces asparagine, which is neutral and polar, with serine, which is neutral and polar, at codon 478 of the PRKCD protein (p.Asn478Ser). In summary, the available evidence is currently insufficient to determine the role of this variant in disease. Therefore, it has been classified as a Variant of Uncertain Significance. An algorithm developed to predict the effect of missense changes on protein structure and function (PolyPhen-2) suggests that this variant is likely to be disruptive. ClinVar contains an entry for this variant (Variation ID: 1994041). This variant has not been reported in the literature in individuals affected with PRKCD-related conditions. This variant is not present in population databases (gnomAD no frequency).

NM_006254.4(PRKCD):c.1433A>G (p.Asn478Ser)

Gene: PRKCD (protein kinase C delta; plus strand). Cytogenetic location: 3p21.1.
Variant type: single nucleotide variant.
Coding change: c.1433A>G on transcript NM_006254.4 (MANE Select); coding-DNA position 1433, A replaced by G.
Protein change: p.Asn478Ser; replaces asparagine 478 with serine.
Molecular consequence: missense variant.
Genome position (GRCh38, 1-based): chr3:53,188,737, A>G. VCF-style: chr3-53188737-A-G. GRCh37 (hg19) VCF-style: chr3-53222753-A-G.
Other names: c.1433A>G, p.Asn478Ser (NM_001316327.2, NM_001354679.2, NM_001354680.2 and 1 more transcripts); c.1490A>G, p.Asn497Ser (NM_001354676.2); c.1481A>G, p.Asn494Ser (NM_001354678.2); short protein forms N478S, N494S, N497S.
Identifiers: ClinVar variation 1994041 (VCV001994041.4), dbSNP rs2471105226, ClinGen allele CA353223077.